The following is an entry in ClinVar:

ClinVar aggregate classification (germline): Pathogenic/Likely pathogenic. Review status: criteria provided, multiple submitters, no conflicts (2 of 4 stars). 2 submissions from 2 submitters: Pathogenic (1); Likely pathogenic (1). Last evaluated 2024-02-23.

Conditions:
Treacher Collins syndrome 1 (TCS1). Also called: TCOF1-Related Treacher Collins Syndrome. Identifiers: Orphanet 861, MedGen CN315775, MONDO:0007944, OMIM 154500.

Submissions (2):

Labcorp Genetics (formerly Invitae), Labcorp
Classification: Pathogenic for Treacher Collins syndrome 1. Last evaluated: 2024-02-23. Review status: criteria provided, single submitter. Criteria: Invitae Variant Classification Sherloc (09022015). Collection method: clinical testing. Allele origin: germline.
Comment: This sequence change creates a premature translational stop signal (p.Lys1452Argfs*18) in the TCOF1 gene. It is expected to result in an absent or disrupted protein product. Loss-of-function variants in TCOF1 are known to be pathogenic (PMID: 8894686, 22317976). This variant is not present in population databases (gnomAD no frequency). This premature translational stop signal has been observed in individual(s) with Treacher Collins syndrome (PMID: 12114482). This variant is also known as c.4124-4125delAA. ClinVar contains an entry for this variant (Variation ID: 503704). For these reasons, this variant has been classified as Pathogenic.

GeneDx
Classification: Likely pathogenic. Last evaluated: 2017-12-11. Review status: criteria provided, single submitter. Criteria: GeneDx Variant Classification (06012015). Collection method: clinical testing. Allele origin: germline. Affected: yes.
Comment: The c.4355_4356delAA variant in the TCOF1 gene has been reported previously in at least one individual suspicious for Treacher Collins syndrome (Splendore et al., 2002). This deletion causes a frameshift starting with codon Lysine 1452, changes this amino acid to an Arginine residue and creates a premature Stop codon at position 18 of the new reading frame, denoted p.Lys1452ArgfsX18. This variant is predicted to cause loss of normal protein function through protein truncation. Based on currently available evidence, c.4355_4356delAA is a strong candidate for a pathogenic variant. However, the possibility it may be a rare benign variant cannot be excluded.

Literature cited by the submitters: PubMed 8894686 (cited by Labcorp Genetics (formerly Invitae), Labcorp); PubMed 22317976 (cited by Labcorp Genetics (formerly Invitae), Labcorp); PubMed 12114482 (cited by Labcorp Genetics (formerly Invitae), Labcorp).

NM_001371623.1(TCOF1):c.4358_4359del (p.Lys1453fs)

Gene: TCOF1 (treacle ribosome biogenesis factor 1; plus strand). Cytogenetic location: 5q32.
Variant type: Deletion.
Coding change: c.4358_4359del on transcript NM_001371623.1 (MANE Select); coding-DNA positions 4358 to 4359, 2 bases deleted (AA; older notation c.4358_4359delAA).
Protein change: p.Lys1453fs; shifts the reading frame from lysine 1453.
Molecular consequence: frameshift variant.
Genome position (GRCh38, 1-based): chr5:150,398,366-150,398,367, AA deleted; deleting any 2 consecutive bases within chr5:150,398,365-150,398,367 gives the same sequence; the c. name uses the placement nearest the transcript's 3' end. VCF-style (leftmost placement, unchanged base first): chr5-150398364-CAA-C. GRCh37 (hg19) VCF-style: chr5-149777927-CAA-C.
Other names: c.4355_4356delAA (NM_001135243.1); c.4124_4125del, p.Lys1375fs (NM_000356.4); c.4355_4356del, p.Lys1452fs (NM_001135243.2); c.4244_4245del, p.Lys1415fs (NM_001135244.2); c.4127_4128del, p.Lys1376fs (NM_001135245.2); c.4241_4242del, p.Lys1414fs (NM_001195141.2); short protein forms K1375fs, K1376fs, K1414fs, K1452fs, K1415fs, K1453fs.
Identifiers: ClinVar variation 503704 (VCV000503704.10), dbSNP rs1554081108, ClinGen allele CA658796661.